The following is an entry in ClinVar:

NM_006218.4(PIK3CA):c.2128G>C (p.Glu710Gln)

Gene: PIK3CA (phosphatidylinositol-4,5-bisphosphate 3-kinase catalytic subunit alpha; plus strand). Cytogenetic location: 3q26.32.
Variant type: single nucleotide variant.
Coding change: c.2128G>C on transcript NM_006218.4 (MANE Select); coding-DNA position 2128, G replaced by C.
Protein change: p.Glu710Gln; replaces glutamic acid 710 with glutamine.
Molecular consequence: missense variant.
Genome position (GRCh38, 1-based): chr3:179,221,098, G>C. VCF-style: chr3-179221098-G-C. GRCh37 (hg19) VCF-style: chr3-178938886-G-C.
Other names: short protein forms E710Q.
Identifiers: ClinVar variation 4086387 (VCV004086387.1).

ClinVar aggregate classification (germline): Uncertain significance (1 of 4 stars; one submission).

Submission:

GeneDx
Classification: Uncertain significance. Last evaluated: 2025-03-20. Review status: criteria provided, single submitter. Criteria: GeneDx Variant Classification Process June 2021. Collection method: clinical testing. Allele origin: germline. Affected: yes.
Comment: Not observed at significant frequency in large population cohorts (gnomAD); In silico analysis indicates that this missense variant does not alter protein structure/function; Has not been previously published as pathogenic or benign to our knowledge